The following is an entry in ClinVar:

ClinVar aggregate classification (germline): Likely pathogenic (1 of 4 stars; one submission).

Submission:

GeneDx
Classification: Likely pathogenic. Last evaluated: 2026-03-06. Review status: criteria provided, single submitter. Criteria: GeneDx Variant Classification Process June 2021. Collection method: clinical testing. Allele origin: germline.
Comment: Not observed at significant frequency in large population cohorts (gnomAD); In silico analysis supports that this missense variant has a deleterious effect on protein structure/function; Published functional studies suggest a damaging effect: shortened microvilli compared to wild-type (PMID: 32143290); This variant is associated with the following publications: (PMID: 34599366, 32143290)

NM_004999.4(MYO6):c.1376G>A (p.Gly459Asp)

Gene: MYO6 (myosin VI; plus strand). Cytogenetic location: 6q14.1.
Variant type: single nucleotide variant.
Coding change: c.1376G>A on transcript NM_004999.4 (MANE Select); coding-DNA position 1376, G replaced by A.
Protein change: p.Gly459Asp; replaces glycine 459 with aspartic acid.
Molecular consequence: missense variant. On other transcripts: non-coding transcript variant (1).
Genome position (GRCh38, 1-based): chr6:75,857,249, G>A. VCF-style: chr6-75857249-G-A. GRCh37 (hg19) VCF-style: chr6-76566966-G-A.
Other names: c.1376G>A, p.Gly459Asp (NM_001300899.2, NM_001368136.1, NM_001368137.1 and 2 more transcripts); c.1361G>A, p.Gly454Asp (NM_001368138.1); short protein forms G454D, G459D.
Identifiers: ClinVar variation 4888015 (VCV004888015.1).